The following is an entry in ClinVar:

NM_031935.3(HMCN1):c.339+4A>G

Gene: HMCN1 (hemicentin 1; plus strand). Cytogenetic location: 1q31.1.
Variant type: single nucleotide variant.
Coding change: c.339+4A>G on transcript NM_031935.3 (MANE Select); 4 bases into the intron after coding-DNA position 339, A replaced by G.
Molecular consequence: intron variant.
Genome position (GRCh38, 1-based): chr1:185,846,100, A>G. VCF-style: chr1-185846100-A-G. GRCh37 (hg19) VCF-style: chr1-185815232-A-G.
Identifiers: ClinVar variation 4772335 (VCV004772335.1).

ClinVar aggregate classification (germline): Uncertain significance (1 of 4 stars; one submission).

Submission:

Labcorp Genetics (formerly Invitae), Labcorp
Classification: Uncertain significance. Last evaluated: 2025-05-05. Review status: criteria provided, single submitter. Criteria: Invitae Variant Classification Sherloc (09022015). Collection method: clinical testing. Allele origin: germline.
Comment: This sequence change falls in intron 2 of the HMCN1 gene. It does not directly change the encoded amino acid sequence of the HMCN1 protein. It affects a nucleotide within the consensus splice site. This variant is not present in population databases (gnomAD no frequency). This variant has not been reported in the literature in individuals affected with HMCN1-related conditions. Variants that disrupt the consensus splice site are a relatively common cause of aberrant splicing (PMID: 17576681, 9536098). Algorithms developed to predict the effect of sequence changes on RNA splicing suggest that this variant is not likely to affect RNA splicing. In summary, the available evidence is currently insufficient to determine the role of this variant in disease. Therefore, it has been classified as a Variant of Uncertain Significance.

Literature cited by the submitters: PubMed 17576681; PubMed 9536098.